The following is an entry in ClinVar:

NM_000096.4(CP):c.2285+2T>C

Gene: CP (ceruloplasmin; minus strand). Cytogenetic location: 3q24.
Variant type: single nucleotide variant.
Coding change: c.2285+2T>C on transcript NM_000096.4 (MANE Select); the canonical splice donor site of the intron after coding-DNA position 2285, T replaced by C.
Molecular consequence: splice donor variant.
Genome position (GRCh38, 1-based): chr3:149,185,237, A>G on the plus strand (T>C on the coding strand, the complement: CP is on the minus strand). VCF-style: chr3-149185237-A-G. GRCh37 (hg19) VCF-style: chr3-148903024-A-G.
Identifiers: ClinVar variation 3367157 (VCV003367157.1).

ClinVar aggregate classification (germline): Likely pathogenic (1 of 4 stars; one submission).

Conditions:
Deficiency of ferroxidase (ACEP). Also called: NEURODEGENERATION WITH BRAIN IRON ACCUMULATION 10; Aceruloplasminemia; Ceruloplasmin deficiency; Familial apoceruloplasmin deficiency; Hereditary ceruloplasmin deficiency; Deficiency of ceruloplasmin. Identifiers: Orphanet 48818, MedGen C0878682, MONDO:0011426, OMIM 604290, HP:0025498.

Submission:

Neuberg Centre For Genomic Medicine, NCGM
Classification: Likely pathogenic for Deficiency of ferroxidase. Last evaluated: 2023-05-20. Review status: criteria provided, single submitter. Criteria: ACMG Guidelines, 2015. Collection method: clinical testing. Allele origin: germline. Inheritance: Autosomal recessive inheritance. Affected: yes.
Comment: The observed invariant splice donor c.2285+2T>C variant in CP gene has not been reported previously as a pathogenic variant nor a benign variant, to our knowledge. The c.2285+2T>C variant is absent in gnomAD Exomes. This variant has not been submitted to the ClinVar database. SpliceAI predicts this variant to cause donor loss (0.31). Loss of function variants have been previously reported to be disease causing. However, additional functional studies will be required to prove the pathogenciity of this variant. For these reasons, this variant has been classified as Likely Pathogenic.